The following is an entry in ClinVar:

ClinVar aggregate classification (germline): Uncertain significance (1 of 4 stars; one submission).

Conditions:
Dyskeratosis congenita. Identifiers: Orphanet 1775, MedGen C0265965, MONDO:0015780.

Submission:

Ambry Genetics
Classification: Uncertain significance for Dyskeratosis congenita. Last evaluated: 2023-04-19. Review status: criteria provided, single submitter. Criteria: Ambry Variant Classification Scheme 2023. Collection method: clinical testing. Allele origin: germline.
Comment: The p.N635H variant (also known as c.1903A>C), located in coding exon 4 of the TERT gene, results from an A to C substitution at nucleotide position 1903. The asparagine at codon 635 is replaced by histidine, an amino acid with similar properties. This amino acid position is conserved. In addition, the in silico prediction for this alteration is inconclusive. Since supporting evidence is limited at this time, the clinical significance of this alteration remains unclear.

NM_198253.3(TERT):c.1903A>C (p.Asn635His)

Gene: TERT (telomerase reverse transcriptase; minus strand). Cytogenetic location: 5p15.33.
Variant type: single nucleotide variant.
Coding change: c.1903A>C on transcript NM_198253.3 (MANE Select); coding-DNA position 1903, A replaced by C.
Protein change: p.Asn635His; replaces asparagine 635 with histidine.
Molecular consequence: missense variant. On other transcripts: non-coding transcript variant (2).
Genome position (GRCh38, 1-based): chr5:1,280,205, T>G on the plus strand (A>C on the coding strand, the complement: TERT is on the minus strand). VCF-style: chr5-1280205-T-G. GRCh37 (hg19) VCF-style: chr5-1280320-T-G.
Other names: c.1903A>C, p.Asn635His (NM_001193376.3, NM_003219.1); short protein forms N635H.
Identifiers: ClinVar variation 3238527 (VCV003238527.1), dbSNP rs2478284416.